The following is an entry in ClinVar:

NM_004958.4(MTOR):c.7501A>G (p.Ile2501Val)

Gene: MTOR (mechanistic target of rapamycin kinase; minus strand). Cytogenetic location: 1p36.22.
Variant type: single nucleotide variant.
Coding change: c.7501A>G on transcript NM_004958.4 (MANE Select); coding-DNA position 7501, A replaced by G.
Protein change: p.Ile2501Val; replaces isoleucine 2501 with valine.
Molecular consequence: missense variant.
Genome position (GRCh38, 1-based): chr1:11,109,317, T>C on the plus strand (A>G on the coding strand, the complement: MTOR is on the minus strand). VCF-style: chr1-11109317-T-C. GRCh37 (hg19) VCF-style: chr1-11169374-T-C.
Other names: c.7501A>G (LRG_734t1); short protein forms I2501V.
Identifiers: ClinVar variation 656999 (VCV000656999.10), dbSNP rs968817513, ClinGen allele CA17927922.
Genomic context (GRCh38, chr1:11,109,317, plus strand): 5'-TGTCCCTTTTAAGTAAACACATGACACACTCACCAGTGAGCTTATCTCGAACCCTGTTAA[T>C]AATCTGGATAGCTTTCTTATTTAGGGCCTCTGGTTTCACCAAACCGTCTCCAACTGGAAT-3'
Protein context (NP_004949.1, residues 2491-2511): EALNKKAIQI[Ile2501Val]NRVRDKLTGR

ClinVar aggregate classification (germline): Uncertain significance (1 of 4 stars; one submission).

Allele frequency attached by ClinVar (database versions not stated): gnomAD exomes below 0.00001 and 0.00001; TOPMed below 0.00001; gnomAD 0.00001.
gnomAD v4.1: 16 of 1,614,086 alleles (0.00099%); highest among the groups gnomAD compares: Non-Finnish European, 0.0013%; no homozygotes.

Submission:

Labcorp Genetics (formerly Invitae), Labcorp
Classification: Uncertain significance. Last evaluated: 2025-01-30. Review status: criteria provided, single submitter. Criteria: Invitae Variant Classification Sherloc (09022015). Collection method: clinical testing. Allele origin: germline.
Comment: This sequence change replaces isoleucine, which is neutral and non-polar, with valine, which is neutral and non-polar, at codon 2501 of the MTOR protein (p.Ile2501Val). This variant is present in population databases (no rsID available, gnomAD 0.0009%). This missense change has been observed in individual(s) with clinical features of MTOR-related conditions (PMID: 27830187). ClinVar contains an entry for this variant (Variation ID: 656999). Invitae Evidence Modeling of protein sequence and biophysical properties (such as structural, functional, and spatial information, amino acid conservation, physicochemical variation, residue mobility, and thermodynamic stability) has been performed for this missense variant. However, the output from this modeling did not meet the statistical confidence thresholds required to predict the impact of this variant on MTOR protein function. In summary, the available evidence is currently insufficient to determine the role of this variant in disease. Therefore, it has been classified as a Variant of Uncertain Significance.

Literature cited by the submitters: PubMed 27830187.